The following is an entry in ClinVar:

ClinVar aggregate classification (germline): Likely benign (1 of 4 stars; one submission).

Conditions:
GSN-related disorder. Also called: GSN-related condition.

gnomAD v4.1: 13 of 1,535,476 alleles (0.00085%); highest among the groups gnomAD compares: African/African-American, 0.012%; no homozygotes.

Submission:

PreventionGenetics, part of Exact Sciences
Classification: Likely benign for GSN-related condition. Last evaluated: 2025-04-28. Review status: criteria provided, single submitter. Criteria: ACMG Guidelines, 2015. Collection method: clinical testing. Allele origin: germline.
Comment: This variant is classified as likely benign based on ACMG/AMP sequence variant interpretation guidelines (Richards et al. 2015 PMID: 25741868, with internal and published modifications).

NM_198252.3(GSN):c.-10+4572C>G

Genes: GSN (gelsolin; plus strand), LOC126860753 (MED14-independent group 3 enhancer GRCh37_chr9:124048350-124049549; plus strand). Cytogenetic location: 9q33.2.
Variant type: single nucleotide variant.
Coding change: c.-10+4572C>G on transcript NM_198252.3 (MANE Select); 4572 bases into the intron after 10 bases upstream of the start codon, C replaced by G.
Molecular consequence: intron variant. On other transcripts: 5 prime UTR variant (2).
Genome position (GRCh38, 1-based): chr9:121,286,134, C>G. VCF-style: chr9-121286134-C-G. GRCh37 (hg19) VCF-style: chr9-124048412-C-G.
Other names: c.-10C>G (NM_001258029.2); c.-99C>G (NM_001353069.2); c.-10+4572C>G (NM_001353054.1, NM_001353053.1, NM_001353060.2 and 2 more transcripts); c.-48+4572C>G (NM_001353064.2, NM_001353066.2, NM_001353076.2 and 1 more transcripts); c.-2+4572C>G (NM_001353058.2, NM_001353057.2); c.-39+3584C>G (NM_001353073.2, NM_001353068.2); c.-39+4181C>G (NM_001353065.2); c.-10+4181C>G (NM_001127664.2); and 13 more.
Identifiers: ClinVar variation 4988753 (VCV004988753.1).
Genomic context (GRCh38, chr9:121,286,134, plus strand): 5'-TATTTATAGGCTGAGATGATTAGGTTGGCCTGTGTCAGGAGAGGCCCACATAGCTCCCCC[C>G]AGCCTCGCGATGGCCGAGGAAGAAGCCCTCAGGGGCAATTCTGACCCATGGGTGAGTAGC-3'